The following is an entry in ClinVar:

NC_000017.11:g.(?_17236912)_(17237188_?)del

Gene: FLCN (folliculin; minus strand). Cytogenetic location: 17p11.2.
Variant type: Deletion.
Identifiers: ClinVar variation 583955 (VCV000583955.7).

ClinVar aggregate classification (germline): Pathogenic (1 of 4 stars; one submission).

Conditions:
Birt-Hogg-Dube syndrome. Also called: Birt Hogg Dubé syndrome. Identifiers: Orphanet 122, MedGen C0346010, MONDO:0800444.

Submission:

Labcorp Genetics (formerly Invitae), Labcorp
Classification: Pathogenic for Birt-Hogg-Dube syndrome. Last evaluated: 2024-01-07. Review status: criteria provided, single submitter. Criteria: Invitae Variant Classification Sherloc (09022015). Collection method: clinical testing. Allele origin: germline.
Comment: This variant is a gross deletion that occurs in a non-coding region of the FLCN gene. It does not change the encoded amino acid sequence of the FLCN protein. A similar copy number variant has been observed in individuals with Birt-Hogg-Dub√© syndrome (PMID: 21412933, 22382802). Studies have shown that a similar copy number variant alters FLCN gene expression (PMID: 21412933). For these reasons, this variant has been classified as Pathogenic.

Literature cited by the submitters: PubMed 21412933; PubMed 22382802.